The following is an entry in ClinVar:

NM_001735.3(C5):c.3096C>A (p.Asn1032Lys)

Gene: C5 (complement C5; minus strand). Cytogenetic location: 9q33.2.
Variant type: single nucleotide variant.
Coding change: c.3096C>A on transcript NM_001735.3 (MANE Select); coding-DNA position 3096, C replaced by A.
Protein change: p.Asn1032Lys; replaces asparagine 1032 with lysine.
Molecular consequence: missense variant.
Genome position (GRCh38, 1-based): chr9:120,989,626, G>T on the plus strand (C>A on the coding strand, the complement: C5 is on the minus strand). VCF-style: chr9-120989626-G-T. GRCh37 (hg19) VCF-style: chr9-123751904-G-T.
Other names: c.3114C>A, p.Asn1038Lys (NM_001317163.2); short protein forms N1032K, N1038K.
Identifiers: ClinVar variation 1020903 (VCV001020903.8), dbSNP rs1269656764, ClinGen allele CA374732287.

ClinVar aggregate classification (germline): Uncertain significance (1 of 4 stars; one submission).

Allele frequency attached by ClinVar (database versions not stated): gnomAD exomes below 0.00001.
gnomAD v4.1: 1 of 1,612,722 alleles (0.000062%); highest among the groups gnomAD compares: Admixed American, 0.0017%; no homozygotes.

Submission:

Labcorp Genetics (formerly Invitae), Labcorp
Classification: Uncertain significance. Last evaluated: 2022-01-13. Review status: criteria provided, single submitter. Criteria: Invitae Variant Classification Sherloc (09022015). Collection method: clinical testing. Allele origin: germline.
Comment: Algorithms developed to predict the effect of missense changes on protein structure and function output the following: SIFT: "Tolerated"; PolyPhen-2: "Benign"; Align-GVGD: "Class C0". The lysine amino acid residue is found in multiple mammalian species, which suggests that this missense change does not adversely affect protein function. ClinVar contains an entry for this variant (Variation ID: 1020903). This variant has not been reported in the literature in individuals affected with C5-related conditions. This variant is present in population databases (no rsID available, gnomAD 0.003%). This sequence change replaces asparagine, which is neutral and polar, with lysine, which is basic and polar, at codon 1032 of the C5 protein (p.Asn1032Lys). In summary, the available evidence is currently insufficient to determine the role of this variant in disease. Therefore, it has been classified as a Variant of Uncertain Significance.